The following is an entry in ClinVar:

ClinVar aggregate classification (germline): Uncertain significance (1 of 4 stars; one submission).

Submission:

Labcorp Genetics (formerly Invitae), Labcorp
Classification: Uncertain significance. Last evaluated: 2022-03-10. Review status: criteria provided, single submitter. Criteria: Invitae Variant Classification Sherloc (09022015). Collection method: clinical testing. Allele origin: germline.
Comment: This sequence change replaces arginine, which is basic and polar, with lysine, which is basic and polar, at codon 605 of the EPS8L2 protein (p.Arg605Lys). This variant has not been reported in the literature in individuals affected with EPS8L2-related conditions. This variant is not present in population databases (gnomAD no frequency). Algorithms developed to predict the effect of missense changes on protein structure and function output the following: SIFT: "Tolerated"; PolyPhen-2: "Benign"; Align-GVGD: "Class C0". The lysine amino acid residue is found in multiple mammalian species, which suggests that this missense change does not adversely affect protein function. In summary, the available evidence is currently insufficient to determine the role of this variant in disease. Therefore, it has been classified as a Variant of Uncertain Significance.

NM_022772.4(EPS8L2):c.1814G>A (p.Arg605Lys)

Gene: EPS8L2 (EPS8 signaling adaptor L2; plus strand). Cytogenetic location: 11p15.5.
Variant type: single nucleotide variant.
Coding change: c.1814G>A on transcript NM_022772.4 (MANE Select); coding-DNA position 1814, G replaced by A.
Protein change: p.Arg605Lys; replaces arginine 605 with lysine.
Molecular consequence: missense variant.
Genome position (GRCh38, 1-based): chr11:726,364, G>A. VCF-style: chr11-726364-G-A. GRCh37 (hg19) VCF-style: chr11-726364-G-A.
Other names: short protein forms R605K.
Identifiers: ClinVar variation 1521978 (VCV001521978.6), dbSNP rs2133542008, ClinGen allele CA378975848.